The following is an entry in ClinVar:

ClinVar aggregate classification (germline): Uncertain significance. Review status: criteria provided, multiple submitters, no conflicts (2 of 4 stars). 6 submissions from 6 submitters: Uncertain significance (5). 1 of the submissions does not count toward it. Last evaluated 2025-03-10.

Conditions:
Cardiovascular phenotype. Identifiers: MedGen CN230736.
Dilated cardiomyopathy 1JJ (CMD1JJ). Identifiers: Orphanet 154, MedGen C3808935, MONDO:0014095, OMIM 615235.

Allele frequency attached by ClinVar (database versions not stated): ExAC 0.00001; gnomAD exomes 0.00002; TOPMed 0.00003; ESP Exome Variant Server 0.00008.
gnomAD v4.1: 22 of 1,614,104 alleles (0.0014%); highest among the groups gnomAD compares: East Asian, 0.0022%; no homozygotes.

Submissions (6):

Ambry Genetics
Classification: Uncertain significance for Cardiovascular phenotype. Last evaluated: 2025-03-10. Review status: criteria provided, single submitter. Criteria: Ambry Variant Classification Scheme 2023. Collection method: clinical testing. Allele origin: germline.
Comment: The p.R1073* variant (also known as c.3217C>T), located in coding exon 23 of the LAMA4 gene, results from a C to T substitution at nucleotide position 3217. This changes the amino acid from an arginine to a stop codon within coding exon 23. This alteration is expected to result in loss of function by premature protein truncation or nonsense-mediated mRNA decay. However, loss of function of LAMA4 has not been clearly established as a mechanism of disease. The evidence for this gene-disease relationship is limited; therefore, the clinical significance of this alteration is unclear.

CeGaT Center for Human Genetics Tuebingen
Classification: Uncertain significance. Last evaluated: 2023-10-01. Review status: criteria provided, single submitter. Criteria: CeGaT Center For Human Genetics Tuebingen Variant Classification Criteria Version 2. Collection method: clinical testing. Allele origin: germline. Affected: yes. Observed: 1 variant allele.
Comment: LAMA4: PM2, PS3:Supporting, PS4:Supporting

GeneDx
Classification: Uncertain significance. Last evaluated: 2023-04-25. Review status: criteria provided, single submitter. Criteria: GeneDx Variant Classification Process June 2021. Collection method: clinical testing. Allele origin: germline. Affected: yes.
Comment: Identified in a patient with DCM in published literature (Knoll et al., 2007); Not observed at significant frequency in large population cohorts (gnomAD); A published functional study suggests this variant led to decreased endothelial cell adherence compared to wildtype (Knoll et al., 2007); Nonsense variant predicted to result in protein truncation or nonsense mediated decay in a gene or region of a gene for which loss of function is not a well-established mechanism of disease; This variant is associated with the following publications: (PMID: 23299917, 35526016, 27896284, 34382650, 17646580)

Labcorp Genetics (formerly Invitae), Labcorp
Classification: Uncertain significance for Dilated cardiomyopathy 1JJ. Last evaluated: 2023-01-23. Review status: criteria provided, single submitter. Criteria: Invitae Variant Classification Sherloc (09022015). Collection method: clinical testing. Allele origin: germline.
Comment: In summary, the available evidence is currently insufficient to determine the role of this variant in disease. Therefore, it has been classified as a Variant of Uncertain Significance. Experimental studies have shown that this premature translational stop signal affects LAMA4 function (PMID: 17646580). Algorithms developed to predict the effect of variants on protein structure and function are not available or were not evaluated for this variant. ClinVar contains an entry for this variant (Variation ID: 50369). This premature translational stop signal has been observed in individual(s) with dilated cardiomyopathy (PMID: 17646580). This variant is present in population databases (rs372615994, gnomAD 0.007%). This sequence change creates a premature translational stop signal (p.Arg1073*) in the LAMA4 gene. It is expected to result in an absent or disrupted protein product. However, the current clinical and genetic evidence is not sufficient to establish whether loss-of-function variants in LAMA4 cause disease.

Fulgent Genetics
Classification: Uncertain significance for Dilated cardiomyopathy 1JJ. Last evaluated: 2021-07-27. Review status: criteria provided, single submitter. Criteria: ACMG Guidelines, 2015. Collection method: clinical testing. Allele origin: unknown.

OMIM
Classification: Pathogenic for CARDIOMYOPATHY, DILATED, 1JJ. Last evaluated: 2007-07-31. Review status: no assertion criteria provided. Collection method: literature only. Allele origin: germline. Not counted in ClinVar's aggregate classification.

Literature cited by the submitters: PubMed 17646580 (cited by 3 submitters).

NM_001105206.3(LAMA4):c.3238C>T (p.Arg1080Ter)

Gene: LAMA4 (laminin subunit alpha 4; minus strand). Cytogenetic location: 6q21.
Variant type: single nucleotide variant.
Coding change: c.3238C>T on transcript NM_001105206.3 (MANE Select); coding-DNA position 3238, C replaced by T.
Protein change: p.Arg1080Ter; replaces arginine 1080 with a stop codon.
Molecular consequence: nonsense.
Genome position (GRCh38, 1-based): chr6:112,139,164, G>A on the plus strand (C>T on the coding strand, the complement: LAMA4 is on the minus strand). VCF-style: chr6-112139164-G-A. GRCh37 (hg19) VCF-style: chr6-112460366-G-A.
Other names: c.3217C>T, p.Arg1073Ter (NM_001105207.3, NM_002290.5); c.3217C>T (LRG_433t2); short protein forms R1073*, R1080*.
Identifiers: ClinVar variation 50369 (VCV000050369.38), dbSNP rs372615994, ClinGen allele CA143747.